The following is an entry in ClinVar:

ClinVar aggregate classification (germline): Uncertain significance (1 of 4 stars; one submission).

Submission:

Ambry Genetics
Classification: Uncertain significance. Last evaluated: 2024-05-11. Review status: criteria provided, single submitter. Criteria: Ambry Variant Classification Scheme 2023. Collection method: clinical testing. Allele origin: germline.
Comment: The p.N544S variant (also known as c.1631A>G), located in coding exon 11 of the RINT1 gene, results from an A to G substitution at nucleotide position 1631. The asparagine at codon 544 is replaced by serine, an amino acid with highly similar properties. This amino acid position is conserved. In addition, this alteration is predicted to be tolerated by in silico analysis. Based on the available evidence, the clinical significance of this variant remains unclear.

NM_021930.6(RINT1):c.1631A>G (p.Asn544Ser)

Gene: RINT1 (RAD50 interactor 1; plus strand). Cytogenetic location: 7q22.3.
Variant type: single nucleotide variant.
Coding change: c.1631A>G on transcript NM_021930.6 (MANE Select); coding-DNA position 1631, A replaced by G.
Protein change: p.Asn544Ser; replaces asparagine 544 with serine.
Molecular consequence: missense variant.
Genome position (GRCh38, 1-based): chr7:105,555,187, A>G. VCF-style: chr7-105555187-A-G. GRCh37 (hg19) VCF-style: chr7-105195634-A-G.
Other names: c.1397A>G, p.Asn466Ser (NM_001346599.2); c.608A>G, p.Asn203Ser (NM_001346600.2, NM_001346603.2); c.707A>G, p.Asn236Ser (NM_001346601.2); short protein forms N466S, N203S, N544S, N236S.
Identifiers: ClinVar variation 3314467 (VCV003314467.1).